The following is an entry in ClinVar:

ClinVar aggregate classification (germline): Uncertain significance. Review status: criteria provided, multiple submitters, no conflicts (2 of 4 stars). 5 submissions from 5 submitters: Uncertain significance (5). Last evaluated 2025-07-09.

Conditions:
Malignant hyperthermia, susceptibility to, 1 (MHS1). Also called: Malignant hyperthermia suceptibility 1; RYR1-Related Malignant Hyperthermia Susceptibility; Anesthesia related hyperthermia; Malignant hyperpyrexia; Fulminating hyperpyrexia; Pharmacogenic myopathy. Identifiers: Orphanet 423, MedGen C2930980, MONDO:0007783, OMIM 145600.
Congenital multicore myopathy with external ophthalmoplegia (CMYO1B). Also called: MULTIMINICORE DISEASE WITH EXTERNAL OPHTHALMOPLEGIA; MULTICORE MYOPATHY; Congenital myopathy 1B, autosomal recessive; Minicore myopathy; Minicore myopathy with external ophthalmoplegia. Identifiers: Orphanet 598, Orphanet 98905, MedGen C1850674, MONDO:0009712, OMIM 255320, HP:0003789.
King Denborough syndrome (KDS). Identifiers: MedGen C1840365, MONDO:0020485, OMIM 619542.
Congenital myopathy with fiber type disproportion. Also called: Congenital fiber-type disproportion; Congenital fiber-type disproportion myopathy. Identifiers: Orphanet 2020, MedGen C0546264, MONDO:0009711. Inheritance: all.
Central core myopathy (CMYO1A). Also called: CONGENITAL MYOPATHY 1A, AUTOSOMAL DOMINANT, WITH SUSCEPTIBILITY TO MALIGNANT HYPERTHERMIA; Central core disease; Myopathy, central fibrillar. Identifiers: Orphanet 597, MedGen C5830701, MONDO:0007294, OMIM 117000.
RYR1-related disorder. Also called: RYR1-related condition; RYR1-related disorders. Identifiers: MedGen CN239331.

Allele frequency attached by ClinVar (database versions not stated): gnomAD exomes below 0.00001 and 0.00001; gnomAD 0.00001; TOPMed 0.00002.
gnomAD v4.1: 7 of 1,614,036 alleles (0.00043%); highest among the groups gnomAD compares: African/African-American, 0.0013%; no homozygotes.

Submissions (5):

Color Diagnostics, LLC DBA Color Health
Classification: Uncertain significance for Malignant hyperthermia, susceptibility to, 1. Last evaluated: 2025-07-09. Review status: criteria provided, single submitter. Criteria: ACMG Guidelines, 2015. Collection method: clinical testing. Allele origin: germline.
Comment: This missense variant replaces phenylalanine with leucine at codon 2997 of the RYR1 protein. Computational prediction suggests that this variant may not impact protein structure and function. To our knowledge, functional studies have not been reported for this variant. This variant has not been reported in individuals affected with RYR1-related disorders in the literature. This variant has been identified in 4/282862 chromosomes in the general population by the Genome Aggregation Database (gnomAD). The available evidence is insufficient to determine the role of this variant in disease conclusively. Therefore, this variant is classified as a Variant of Uncertain Significance.

Labcorp Genetics (formerly Invitae), Labcorp
Classification: Uncertain significance for RYR1-related disorder. Last evaluated: 2025-01-07. Review status: criteria provided, single submitter. Criteria: Invitae Variant Classification Sherloc (09022015). Collection method: clinical testing. Allele origin: germline.
Comment: This sequence change replaces phenylalanine, which is neutral and non-polar, with leucine, which is neutral and non-polar, at codon 2997 of the RYR1 protein (p.Phe2997Leu). This variant is present in population databases (no rsID available, gnomAD 0.004%). This variant has not been reported in the literature in individuals affected with RYR1-related conditions. ClinVar contains an entry for this variant (Variation ID: 665617). Invitae Evidence Modeling of protein sequence and biophysical properties (such as structural, functional, and spatial information, amino acid conservation, physicochemical variation, residue mobility, and thermodynamic stability) indicates that this missense variant is expected to disrupt RYR1 protein function with a positive predictive value of 80%. In summary, the available evidence is currently insufficient to determine the role of this variant in disease. Therefore, it has been classified as a Variant of Uncertain Significance.

All of Us Research Program, National Institutes of Health
Classification: Uncertain significance for Malignant hyperthermia, susceptibility to, 1. Last evaluated: 2023-04-27. Review status: criteria provided, single submitter. Criteria: ACMG Guidelines, 2015. Collection method: clinical testing. Allele origin: germline. Inheritance: Autosomal dominant inheritance. Observed: 1 variant allele, 1 heterozygote.
Comment: This study involves interpretation of variants in research participants for the purpose of population health screening. Participant phenotype was not available at the time of variant classification. Additional details can be found in publication PMID: 35346344, PMCID: PMC8962531

Daryl Scott Lab, Baylor College of Medicine
Classification: Uncertain significance for RYR1-related disorder. Last evaluated: 2022-02-01. Review status: criteria provided, single submitter. Criteria: ACMG Guidelines, 2015. Collection method: clinical testing. Allele origin: biparental. Observed: 1 variant allele, 1 compound heterozygote.

Fulgent Genetics
Classification: Uncertain significance for Central core myopathy; Malignant hyperthermia, susceptibility to, 1; Congenital myopathy 4A, autosomal dominant; Congenital multicore myopathy with external ophthalmoplegia; King Denborough syndrome. Last evaluated: 2021-11-17. Review status: criteria provided, single submitter. Criteria: ACMG Guidelines, 2015. Collection method: clinical testing. Allele origin: unknown.

Literature cited by the submitters: PubMed 36474027 (cited by Daryl Scott Lab, Baylor College of Medicine).

NM_000540.3(RYR1):c.8991C>A (p.Phe2997Leu)

Gene: RYR1 (ryanodine receptor 1; plus strand). Cytogenetic location: 19q13.2.
Variant type: single nucleotide variant.
Coding change: c.8991C>A on transcript NM_000540.3 (MANE Select); coding-DNA position 8991, C replaced by A.
Protein change: p.Phe2997Leu; replaces phenylalanine 2997 with leucine.
Molecular consequence: missense variant.
Genome position (GRCh38, 1-based): chr19:38,510,556, C>A. VCF-style: chr19-38510556-C-A. GRCh37 (hg19) VCF-style: chr19-39001196-C-A.
Other names: c.8991C>A, p.Phe2997Leu (NM_001042723.2); short protein forms F2997L.
Identifiers: ClinVar variation 665617 (VCV000665617.11), dbSNP rs1377413977, ClinGen allele CA405683473.